The following is an entry in ClinVar:

ClinVar aggregate classification (germline): Conflicting classifications of pathogenicity. Review status: criteria provided, conflicting classifications (1 of 4 stars). 2 submissions from 2 submitters: Uncertain significance (1); Likely benign (1). Last evaluated 2025-08-22.

Conditions:
Loeys-Dietz syndrome 2 (LDS2). Also called: AORTIC ANEURYSM, FAMILIAL THORACIC 3; MARFAN SYNDROME, TYPE II; Marfan syndrome, type 2 (formerly); TGFBR2-Related Loeys-Dietz Syndrome; Marfan Syndrome type 2; Marfan like connective tissue disorder. Identifiers: Orphanet 284973, Orphanet 558, MedGen C2674574, MONDO:0012427, OMIM 610168.

Allele frequency attached by ClinVar (database versions not stated): TOPMed below 0.00001; ExAC 0.00001; gnomAD exomes 0.00001.
gnomAD v4.1: 13 of 1,614,190 alleles (0.00081%); highest among the groups gnomAD compares: Non-Finnish European, 0.00093%; no homozygotes.

Submissions (2):

Ambry Genetics
Classification: Likely benign. Last evaluated: 2025-08-22. Review status: criteria provided, single submitter. Criteria: Ambry Variant Classification Scheme 2023. Collection method: clinical testing. Allele origin: germline.

Labcorp Genetics (formerly Invitae), Labcorp
Classification: Uncertain significance for Loeys-Dietz syndrome 2. Last evaluated: 2018-03-25. Review status: criteria provided, single submitter. Criteria: Invitae Variant Classification Sherloc (09022015). Collection method: clinical testing. Allele origin: germline.
Comment: This sequence change replaces lysine with glutamic acid at codon 356 of the TMPO protein (p.Lys356Glu). The lysine residue is weakly conserved and there is a small physicochemical difference between lysine and glutamic acid. This variant is present in population databases (rs730880229, ExAC 0.002%). This variant has not been reported in the literature in individuals with TMPO-related disease. ClinVar contains an entry for this variant (Variation ID: 180549). Algorithms developed to predict the effect of missense changes on protein structure and function output the following: SIFT: "Tolerated"; PolyPhen-2: "Benign"; Align-GVGD: "Class C0". The glutamic acid amino acid residue is found in multiple mammalian species, suggesting that this missense change does not adversely affect protein function. These predictions have not been confirmed by published functional studies and their clinical significance is uncertain. In summary, the available evidence is currently insufficient to determine the role of this variant in disease. Therefore, it has been classified as a Variant of Uncertain Significance.

NM_001032283.3(TMPO):c.565+1485A>G

Gene: TMPO (thymopoietin; plus strand). Cytogenetic location: 12q23.1.
Variant type: single nucleotide variant.
Coding change: c.565+1485A>G on transcript NM_001032283.3 (MANE Select); 1485 bases into the intron after coding-DNA position 565, A replaced by G.
Molecular consequence: intron variant. On other transcripts: missense variant (1).
Genome position (GRCh38, 1-based): chr12:98,533,323, A>G. VCF-style: chr12-98533323-A-G. GRCh37 (hg19) VCF-style: chr12-98927101-A-G.
Other names: c.1066A>G, p.Lys356Glu (NM_003276.2); c.565+1485A>G (NM_001307975.2, NM_001032284.3); short protein forms K356E.
Identifiers: ClinVar variation 180549 (VCV000180549.10), dbSNP rs730880229, ClinGen allele CA346716.